The following is an entry in ClinVar:

NM_000384.3(APOB):c.5531C>G (p.Ser1844Cys)

Gene: APOB (apolipoprotein B; minus strand). Cytogenetic location: 2p24.1.
Variant type: single nucleotide variant.
Coding change: c.5531C>G on transcript NM_000384.3 (MANE Select); coding-DNA position 5531, C replaced by G.
Protein change: p.Ser1844Cys; replaces serine 1844 with cysteine.
Molecular consequence: missense variant.
Genome position (GRCh38, 1-based): chr2:21,011,337, G>C on the plus strand (C>G on the coding strand, the complement: APOB is on the minus strand). VCF-style: chr2-21011337-G-C. GRCh37 (hg19) VCF-style: chr2-21234209-G-C.
Other names: short protein forms S1844C.
Identifiers: ClinVar variation 3751289 (VCV003751289.2).

ClinVar aggregate classification (germline): Uncertain significance (1 of 4 stars; one submission).

Conditions:
Familial hypobetalipoproteinemia 1. Also called: APOB-Related Familial Hypobetalipoproteinemia; Hypobetalipoproteinemia, normotriglyceridemic; Acanthocytosis with hypobetalipoproteinemia. Identifiers: MedGen C4551990, MONDO:0014252, OMIM 615558.
Hypercholesterolemia, autosomal dominant, type B (FHCL2). Also called: Familial Hypercholesterolemia Type B; APOLIPOPROTEIN B-100, FAMILIAL DEFECTIVE; APOLIPOPROTEIN B-100, FAMILIAL LIGAND-DEFECTIVE; HYPERCHOLESTEROLEMIA, FAMILIAL, DUE TO LIGAND-DEFECTIVE APOLIPOPROTEIN B; Hyperlipoproteinemia Type IIb; Familial hypercholesterolemia 2. Identifiers: MedGen C1704417, MONDO:0007751, OMIM 144010.

Submission:

Labcorp Genetics (formerly Invitae), Labcorp
Classification: Uncertain significance for Familial hypobetalipoproteinemia 1; Hypercholesterolemia, autosomal dominant, type B. Last evaluated: 2024-05-31. Review status: criteria provided, single submitter. Criteria: Invitae Variant Classification Sherloc (09022015). Collection method: clinical testing. Allele origin: germline.
Comment: This sequence change replaces serine, which is neutral and polar, with cysteine, which is neutral and slightly polar, at codon 1844 of the APOB protein (p.Ser1844Cys). This variant is not present in population databases (gnomAD no frequency). This variant has not been reported in the literature in individuals affected with APOB-related conditions. Advanced modeling of protein sequence and biophysical properties (such as structural, functional, and spatial information, amino acid conservation, physicochemical variation, residue mobility, and thermodynamic stability) performed at Invitae indicates that this missense variant is not expected to disrupt APOB protein function with a negative predictive value of 95%. In summary, the available evidence is currently insufficient to determine the role of this variant in disease. Therefore, it has been classified as a Variant of Uncertain Significance.